The following is an entry in ClinVar:

ClinVar aggregate classification (germline): Likely pathogenic (1 of 4 stars; one submission).

Conditions:
DNMT3A-related disorder. Also called: DNMT3A-related disorders; DNMT3A-related condition.

gnomAD v4.1: 4 of 1,603,074 alleles (0.00025%); highest among the groups gnomAD compares: South Asian, 0.0011%; no homozygotes.

Submission:

PreventionGenetics, part of Exact Sciences
Classification: Likely pathogenic for DNMT3A-related condition. Last evaluated: 2024-12-15. Review status: criteria provided, single submitter. Criteria: ACMG Guidelines, 2015. Collection method: clinical testing. Allele origin: germline.
Comment: The DNMT3A c.2174-2A>G variant is predicted to disrupt the AG splice acceptor site and interfere with normal splicing. To our knowledge, this variant has not been reported in the literature. However, somatic acquired variant has been detected in an individual with relapsed/refractory acute myeloid leukemia (Canaani et al. 2020. PubMed ID: 32577167). This variant is reported in 0.00092% of alleles in individuals of European (Non-Finnish) descent in gnomAD. Variants that disrupt the consensus splice acceptor site in DNMT3A are expected to be pathogenic. This variant is interpreted as likely pathogenic.

NM_022552.5(DNMT3A):c.2174-2A>G

Gene: DNMT3A (DNA methyltransferase 3 alpha; minus strand). Cytogenetic location: 2p23.3.
Variant type: single nucleotide variant.
Coding change: c.2174-2A>G on transcript NM_022552.5 (MANE Select); the canonical splice acceptor site of the intron before coding-DNA position 2174, A replaced by G.
Molecular consequence: splice acceptor variant.
Genome position (GRCh38, 1-based): chr2:25,240,452, T>C on the plus strand (A>G on the coding strand, the complement: DNMT3A is on the minus strand). VCF-style: chr2-25240452-T-C. GRCh37 (hg19) VCF-style: chr2-25463321-T-C.
Other names: c.2174-2A>G (NM_175629.2); c.1607-2A>G (NM_153759.3); c.1718-2A>G (NM_001320893.1); c.1505-2A>G (NM_001375819.1).
Identifiers: ClinVar variation 5002074 (VCV005002074.1).
Genomic context (GRCh38, chr2:25,240,452, plus strand): 5'-CTTGGGCCGCGCATCATGCAGGAGGCGGTAGAACTCAAAGAAGAGCCGGCCAGTGCCCTC[T>C]GAGAGGTCGGAAGAGAAAGCCATCAGCTGGGGCTGTCTGCATAGGACAGTGGTGTGGCTC-3'